The following is an entry in ClinVar:

NM_000215.4(JAK3):c.1942G>C (p.Val648Leu)

Gene: JAK3 (Janus kinase 3; minus strand). Cytogenetic location: 19p13.11.
Variant type: single nucleotide variant.
Coding change: c.1942G>C on transcript NM_000215.4 (MANE Select); coding-DNA position 1942, G replaced by C.
Protein change: p.Val648Leu; replaces valine 648 with leucine.
Molecular consequence: missense variant.
Genome position (GRCh38, 1-based): chr19:17,835,188, C>G on the plus strand (G>C on the coding strand, the complement: JAK3 is on the minus strand). VCF-style: chr19-17835188-C-G. GRCh37 (hg19) VCF-style: chr19-17945997-C-G.
Other names: short protein forms V648L.
Identifiers: ClinVar variation 3720673 (VCV003720673.2).

ClinVar aggregate classification (germline): Uncertain significance (1 of 4 stars; one submission).

Conditions:
T-B+ severe combined immunodeficiency due to JAK3 deficiency. Also called: SCID, T CELL-NEGATIVE, B CELL-POSITIVE, NK CELL-NEGATIVE; SCID, autosomal recessive, T-negative/B-positive type. Identifiers: Orphanet 35078, MedGen C1833275, MONDO:0010938, OMIM 600802.

Submission:

Labcorp Genetics (formerly Invitae), Labcorp
Classification: Uncertain significance for T-B+ severe combined immunodeficiency due to JAK3 deficiency. Last evaluated: 2024-10-21. Review status: criteria provided, single submitter. Criteria: Invitae Variant Classification Sherloc (09022015). Collection method: clinical testing. Allele origin: germline.
Comment: This sequence change replaces valine, which is neutral and non-polar, with leucine, which is neutral and non-polar, at codon 648 of the JAK3 protein (p.Val648Leu). This variant is not present in population databases (gnomAD no frequency). This variant has not been reported in the literature in individuals affected with JAK3-related conditions. Invitae Evidence Modeling of protein sequence and biophysical properties (such as structural, functional, and spatial information, amino acid conservation, physicochemical variation, residue mobility, and thermodynamic stability) has been performed for this missense variant. However, the output from this modeling did not meet the statistical confidence thresholds required to predict the impact of this variant on JAK3 protein function. In summary, the available evidence is currently insufficient to determine the role of this variant in disease. Therefore, it has been classified as a Variant of Uncertain Significance.